The following is an entry in ClinVar:

ClinVar aggregate classification (germline): Pathogenic/Likely pathogenic. Review status: criteria provided, multiple submitters, no conflicts (2 of 4 stars). 8 submissions from 8 submitters: Pathogenic (4); Likely pathogenic (2). 2 of the submissions do not count toward it. Last evaluated 2025-09-15.

Conditions:
GLRB-related disorders.
GLRB-related disorder. Also called: GLRB-related condition.
Hyperekplexia 2 (HKPX2). Identifiers: Orphanet 3197, MedGen C3553291, MONDO:0013828, OMIM 614619.

Allele frequency attached by ClinVar (database versions not stated): ExAC 0.00003; gnomAD 0.00003; TOPMed 0.00003; gnomAD exomes 0.00005 and 0.00009.
gnomAD v4.1: 124 of 1,524,980 alleles (0.0081%); highest among the groups gnomAD compares: Non-Finnish European, 0.01%; no homozygotes.

Submissions (8):

First Genomix Gene Laboratory, Genetic Diagnostics Department
Classification: Pathogenic for Hyperekplexia 2. Last evaluated: 2025-09-15. Review status: criteria provided, single submitter. Criteria: ACMG Guidelines, 2015. Collection method: clinical testing. Allele origin: germline. Inheritance: Autosomal recessive inheritance. Affected: no. Observed: 1 variant allele.

PreventionGenetics, part of Exact Sciences
Classification: Pathogenic for GLRB-related condition. Last evaluated: 2025-08-26. Review status: criteria provided, single submitter. Criteria: ACMG Guidelines, 2015. Collection method: clinical testing. Allele origin: germline.
Comment: The GLRB c.610+5G>A variant is predicted to interfere with splicing. This variant has been reported in the homozygous and compound heterozygous state in several patients with hyperekplexia (reported as IVS5+5G>A, Rees et al. 2002. PubMed ID: 11929858; Chung et al. 2013. PubMed ID: 23184146; Estevez-Fraga et al. 2020. PubMed ID: 32911248). In vitro splicing analysis indicated that this variant causes exclusion of exon 5 from processed GLRB transcripts (Rees et al. 2002. PubMed ID: 11929858). Taken together, we classify this variant as pathogenic.

3billion
Classification: Likely pathogenic for Hyperekplexia 2. Last evaluated: 2025-07-08. Review status: criteria provided, single submitter. Criteria: ACMG Guidelines, 2015. Collection method: clinical testing. Allele origin: germline. Affected: yes.
Comment: The variant is observed at an extremely low frequency in the gnomAD v4.1.0 dataset (total allele frequency: 0.008%). Predicted Consequence/Location: Intron variant: previously reported to alter splicing (PMID: 11929858). In silico tools predict the variant to alter splicing and produce an abnormal transcript [SpliceAI: 0.95 (spliceogenicity >=0.2, non-spliceogenicity <0.1)]. Intron variant: previously reported to alter splicing (PMID: 11929858). Therefore, this variant is classified as Likely pathogenic according to the recommendation of ACMG/AMP guideline.

Labcorp Genetics (formerly Invitae), Labcorp
Classification: Pathogenic for Hyperekplexia 2. Last evaluated: 2025-06-10. Review status: criteria provided, single submitter. Criteria: Invitae Variant Classification Sherloc (09022015). Collection method: clinical testing. Allele origin: germline.
Comment: This sequence change falls in intron 6 of the GLRB gene. It does not directly change the encoded amino acid sequence of the GLRB protein. It affects a nucleotide within the consensus splice site. This variant is present in population databases (rs281864922, gnomAD 0.009%). This variant has been observed in individuals with clinical features of hyperekplexia (PMID: 11929858, 32911248; internal data). This variant is also known as IVS5+5G>A. ClinVar contains an entry for this variant (Variation ID: 16059). Variants that disrupt the consensus splice site are a relatively common cause of aberrant splicing (PMID: 17576681, 9536098). Studies have shown that this variant alters mRNA splicing and is expected to lead to the loss of protein expression (PMID: 11929858). For these reasons, this variant has been classified as Pathogenic.

Blueprint Genetics
Classification: Pathogenic for GLRB-related disorders. Last evaluated: 2024-08-21. Review status: criteria provided, single submitter. Criteria: ACMG Guidelines, 2015. Collection method: clinical testing. Allele origin: germline. Affected: yes. Observed: 5 variant alleles.

GeneDx
Classification: Likely pathogenic. Last evaluated: 2022-05-04. Review status: criteria provided, single submitter. Criteria: GeneDx Variant Classification Process June 2021. Collection method: clinical testing. Allele origin: germline. Affected: yes.
Comment: Intronic +5 splice site variant in a gene for which loss of function is a known mechanism of disease, and splice predictors support a deleterious effect; This variant is associated with the following publications: (PMID: 11929858, 32911248)

GeneReviews
Classification: Pathogenic for Hyperekplexia. Last evaluated: 2012-10-04. Review status: no assertion criteria provided. Collection method: curation. Allele origin: unknown. Not counted in ClinVar's aggregate classification.
ClinVar note: Converted during submission from pathologic to Pathogenic.

OMIM
Classification: Pathogenic for HYPEREKPLEXIA 2. Last evaluated: 2002-04-01. Review status: no assertion criteria provided. Collection method: literature only. Allele origin: germline. Not counted in ClinVar's aggregate classification.

Literature cited by the submitters: PubMed 11929858 (cited by 3 submitters); PubMed 32911248 (cited by Labcorp Genetics (formerly Invitae), Labcorp); PubMed 17576681 (cited by Labcorp Genetics (formerly Invitae), Labcorp); PubMed 9536098 (cited by Labcorp Genetics (formerly Invitae), Labcorp).

NM_000824.5(GLRB):c.610+5G>A

Gene: GLRB (glycine receptor beta; plus strand). Cytogenetic location: 4q32.1.
Variant type: single nucleotide variant.
Coding change: c.610+5G>A on transcript NM_000824.5 (MANE Select); 5 bases into the intron after coding-DNA position 610, G replaced by A.
Molecular consequence: intron variant.
Genome position (GRCh38, 1-based): chr4:157,136,891, G>A. VCF-style: chr4-157136891-G-A. GRCh37 (hg19) VCF-style: chr4-158058043-G-A.
Other names: IVS5, G-A, +5; IVS5+5G-A; c.610+5G>A (NM_001166061.2, NM_001166060.2).
Identifiers: ClinVar variation 16059 (VCV000016059.14), dbSNP rs281864922, ClinGen allele CA341356.